The following is an entry in ClinVar:

ClinVar aggregate classification (germline): Uncertain significance. Review status: criteria provided, multiple submitters, no conflicts (2 of 4 stars). 3 submissions from 3 submitters: Uncertain significance (3). Last evaluated 2025-08-12.

Conditions:
Inborn genetic diseases. Identifiers: MedGen C0950123, MeSH D030342.
Fanconi anemia complementation group P. Also called: SLX4-Related Fanconi Anemia. Identifiers: Orphanet 84, MedGen C3469542, MONDO:0013499, OMIM 613951.
Fanconi anemia (FA). Also called: Fanconi's anemia. Identifiers: Orphanet 84, MedGen C0015625, MeSH D005199, MONDO:0019391.

Allele frequency attached by ClinVar (database versions not stated): gnomAD exomes below 0.00001 and 0.00001; ExAC 0.00001.
gnomAD v4.1: 4 of 1,614,158 alleles (0.00025%); highest among the groups gnomAD compares: Non-Finnish European, 0.00034%; no homozygotes.

Submissions (3):

Ambry Genetics
Classification: Uncertain significance for Inborn genetic diseases. Last evaluated: 2025-08-12. Review status: criteria provided, single submitter. Criteria: Ambry Variant Classification Scheme 2023. Collection method: clinical testing. Allele origin: germline.

Labcorp Genetics (formerly Invitae), Labcorp
Classification: Uncertain significance for Fanconi anemia. Last evaluated: 2025-04-28. Review status: criteria provided, single submitter. Criteria: Invitae Variant Classification Sherloc (09022015). Collection method: clinical testing. Allele origin: germline.
Comment: This sequence change replaces asparagine, which is neutral and polar, with serine, which is neutral and polar, at codon 814 of the SLX4 protein (p.Asn814Ser). This variant is present in population databases (rs777299783, gnomAD 0.0009%). This variant has not been reported in the literature in individuals affected with SLX4-related conditions. ClinVar contains an entry for this variant (Variation ID: 1403577). An algorithm developed to predict the effect of missense changes on protein structure and function outputs the following: PolyPhen-2: "Benign". The serine amino acid residue is found in multiple mammalian species, which suggests that this missense change does not adversely affect protein function. In summary, the available evidence is currently insufficient to determine the role of this variant in disease. Therefore, it has been classified as a Variant of Uncertain Significance.

Fulgent Genetics
Classification: Uncertain significance for Fanconi anemia complementation group P. Last evaluated: 2024-03-18. Review status: criteria provided, single submitter. Criteria: ACMG Guidelines, 2015. Collection method: clinical testing. Allele origin: germline.

NM_032444.4(SLX4):c.2441A>G (p.Asn814Ser)

Gene: SLX4 (SLX4 structure-specific endonuclease subunit; minus strand). Cytogenetic location: 16p13.3.
Variant type: single nucleotide variant.
Coding change: c.2441A>G on transcript NM_032444.4 (MANE Select); coding-DNA position 2441, A replaced by G.
Protein change: p.Asn814Ser; replaces asparagine 814 with serine.
Molecular consequence: missense variant.
Genome position (GRCh38, 1-based): chr16:3,591,197, T>C on the plus strand (A>G on the coding strand, the complement: SLX4 is on the minus strand). VCF-style: chr16-3591197-T-C. GRCh37 (hg19) VCF-style: chr16-3641198-T-C.
Other names: c.2441A>G (NM_032444.2); short protein forms N814S.
Identifiers: ClinVar variation 1403577 (VCV001403577.8), dbSNP rs777299783, ClinGen allele CA7866148.